The following is an entry in ClinVar:

NM_004656.4(BAP1):c.1045A>G (p.Asn349Asp)

Gene: BAP1 (BRCA1 associated deubiquitinase 1; minus strand). Cytogenetic location: 3p21.1.
Variant type: single nucleotide variant.
Coding change: c.1045A>G on transcript NM_004656.4 (MANE Select); coding-DNA position 1045, A replaced by G.
Protein change: p.Asn349Asp; replaces asparagine 349 with aspartic acid.
Molecular consequence: missense variant.
Genome position (GRCh38, 1-based): chr3:52,405,181, T>C on the plus strand (A>G on the coding strand, the complement: BAP1 is on the minus strand). VCF-style: chr3-52405181-T-C. GRCh37 (hg19) VCF-style: chr3-52439197-T-C.
Other names: short protein forms N349D.
Identifiers: ClinVar variation 490766 (VCV000490766.21), dbSNP rs765742255, ClinGen allele CA2436934.

ClinVar aggregate classification (germline): Conflicting classifications of pathogenicity. Review status: criteria provided, conflicting classifications (1 of 4 stars). 6 submissions from 6 submitters: Uncertain significance (4); Benign (1); Likely benign (1). Last evaluated 2025-12-28.

Conditions:
Hereditary cancer-predisposing syndrome. Also called: Hereditary Cancer Syndrome; Neoplastic Syndromes, Hereditary; Tumor predisposition; Hereditary neoplastic syndrome. Identifiers: Orphanet 140162, MedGen C0027672, MeSH D009386, MONDO:0015356.
BAP1-related tumor predisposition syndrome (TPDS1). Also called: Tumor susceptibility linked to germline BAP1 mutations; BAP1 tumor predisposition syndrome; COMMON Syndrome; TUMOR PREDISPOSITION SYNDROME 1. Identifiers: Orphanet 289539, MedGen C3280492, MONDO:0013692, OMIM 614327.

Allele frequency attached by ClinVar (database versions not stated): ExAC 0.00001; gnomAD exomes 0.00001 and 0.00002; gnomAD 0.00004 and 0.00003; TOPMed 0.00002.
gnomAD v4.1: 42 of 1,614,008 alleles (0.0026%); highest among the groups gnomAD compares: Non-Finnish European, 0.0033%; no homozygotes.

Submissions (6):

Labcorp Genetics (formerly Invitae), Labcorp
Classification: Uncertain significance for BAP1-related tumor predisposition syndrome. Last evaluated: 2025-12-28. Review status: criteria provided, single submitter. Criteria: Invitae Variant Classification Sherloc (09022015). Collection method: clinical testing. Allele origin: germline.
Comment: This sequence change replaces asparagine, which is neutral and polar, with aspartic acid, which is acidic and polar, at codon 349 of the BAP1 protein (p.Asn349Asp). This variant is present in population databases (rs765742255, gnomAD 0.002%). This variant has not been reported in the literature in individuals affected with BAP1-related conditions. ClinVar contains an entry for this variant (Variation ID: 490766). Invitae Evidence Modeling of protein sequence and biophysical properties (such as structural, functional, and spatial information, amino acid conservation, physicochemical variation, residue mobility, and thermodynamic stability) indicates that this missense variant is not expected to disrupt BAP1 protein function with a negative predictive value of 80%. In summary, the available evidence is currently insufficient to determine the role of this variant in disease. Therefore, it has been classified as a Variant of Uncertain Significance.

Ambry Genetics
Classification: Benign for Hereditary cancer-predisposing syndrome. Last evaluated: 2025-03-26. Review status: criteria provided, single submitter. Criteria: Ambry Variant Classification Scheme 2023. Collection method: clinical testing. Allele origin: germline.

Color Diagnostics, LLC DBA Color Health
Classification: Uncertain significance for Hereditary cancer-predisposing syndrome. Last evaluated: 2024-11-26. Review status: criteria provided, single submitter. Criteria: ACMG Guidelines, 2015. Collection method: clinical testing. Allele origin: germline.
Comment: This missense variant replaces asparagine with aspartic acid at codon 349 of the BAP1 protein. Computational prediction suggests that this variant may not impact protein structure and function. To our knowledge, functional studies have not been reported for this variant. This variant has not been reported in individuals affected with hereditary cancer in the literature. This variant has been identified in 3/277192 chromosomes in the general population by the Genome Aggregation Database (gnomAD). The available evidence is insufficient to determine the role of this variant in disease conclusively. Therefore, this variant is classified as a Variant of Uncertain Significance.

Myriad Genetics, Inc.
Classification: Likely benign for BAP1-related tumor predisposition syndrome. Last evaluated: 2024-07-15. Review status: criteria provided, single submitter. Criteria: Myriad Autosomal Dominant, Autosomal Recessive and X-Linked Classification Criteria (2023). Collection method: clinical testing. Allele origin: unknown.
Comment: This variant is considered likely benign. This variant has been observed at a population frequency that is significantly greater than expected given the associated disease prevalence and penetrance.

Baylor Genetics
Classification: Uncertain significance for BAP1-related tumor predisposition syndrome. Last evaluated: 2024-03-14. Review status: criteria provided, single submitter. Criteria: ACMG Guidelines, 2015. Collection method: clinical testing. Allele origin: unknown.

GeneDx
Classification: Uncertain significance. Last evaluated: 2023-06-21. Review status: criteria provided, single submitter. Criteria: GeneDx Variant Classification Process June 2021. Collection method: clinical testing. Allele origin: germline. Affected: yes.
Comment: Not observed at significant frequency in large population cohorts (gnomAD); In silico analysis supports that this missense variant does not alter protein structure/function; Has not been previously published as pathogenic or benign to our knowledge

Literature cited by the submitters: PubMed 38969833 (cited by Ambry Genetics).